The following is an entry in ClinVar:

ClinVar aggregate classification (germline): Uncertain significance (1 of 4 stars; one submission).

Submission:

Labcorp Genetics (formerly Invitae), Labcorp
Classification: Uncertain significance. Last evaluated: 2023-03-31. Review status: criteria provided, single submitter. Criteria: Invitae Variant Classification Sherloc (09022015). Collection method: clinical testing. Allele origin: germline.
Comment: In summary, the available evidence is currently insufficient to determine the role of this variant in disease. Therefore, it has been classified as a Variant of Uncertain Significance. Advanced modeling of protein sequence and biophysical properties (such as structural, functional, and spatial information, amino acid conservation, physicochemical variation, residue mobility, and thermodynamic stability) has been performed at Invitae for this missense variant, however the output from this modeling did not meet the statistical confidence thresholds required to predict the impact of this variant on ARID1B protein function. This variant has not been reported in the literature in individuals affected with ARID1B-related conditions. This variant is not present in population databases (gnomAD no frequency). This sequence change replaces tryptophan, which is neutral and slightly polar, with arginine, which is basic and polar, at codon 1937 of the ARID1B protein (p.Trp1937Arg).

NM_001374828.1(ARID1B):c.6178T>C (p.Trp2060Arg)

Gene: ARID1B (AT-rich interaction domain 1B; plus strand). Cytogenetic location: 6q25.3.
Variant type: single nucleotide variant.
Coding change: c.6178T>C on transcript NM_001374828.1 (MANE Select); coding-DNA position 6178, T replaced by C.
Protein change: p.Trp2060Arg; replaces tryptophan 2060 with arginine.
Molecular consequence: missense variant.
Genome position (GRCh38, 1-based): chr6:157,206,950, T>C. VCF-style: chr6-157206950-T-C. GRCh37 (hg19) VCF-style: chr6-157528084-T-C.
Other names: c.6019T>C, p.Trp2007Arg (NM_017519.3); c.5809T>C, p.Trp1937Arg (NM_020732.3); c.5596T>C, p.Trp1866Arg (NM_175863.2); c.5929T>C, p.Trp1977Arg (NM_001346813.1); c.3679T>C, p.Trp1227Arg (NM_001363725.2); c.6058T>C, p.Trp2020Arg (NM_001371656.1, NM_001374820.1); short protein forms W2020R, W2060R, W1866R, W1937R, W1227R, W1977R, W2007R.
Identifiers: ClinVar variation 2851182 (VCV002851182.3), dbSNP rs2538775806, ClinGen allele CA366247701.